The following is an entry in ClinVar:

ClinVar aggregate classification (germline): Uncertain significance. Review status: criteria provided, multiple submitters, no conflicts (2 of 4 stars). 4 submissions from 4 submitters: Uncertain significance (3). 1 of the submissions does not count toward it. Last evaluated 2024-11-23.

Conditions:
Usher syndrome type 1B (USH1B). Also called: Usher syndrome type IB. Identifiers: MedGen C1848638, MONDO:0700087.

Allele frequency attached by ClinVar (database versions not stated): ExAC 0.00001; gnomAD exomes 0.00001; gnomAD 0.00003 and 0.00005; TOPMed 0.00003; 1000 Genomes Project 30x 0.00016.
gnomAD v4.1: 38 of 1,613,818 alleles (0.0024%); highest among the groups gnomAD compares: African/African-American, 0.004%; no homozygotes.

Submissions (4):

Blueprint Genetics
Classification: Uncertain significance. Last evaluated: 2024-11-23. Review status: criteria provided, single submitter. Criteria: ACMG Guidelines, 2015. Collection method: clinical testing. Allele origin: germline.

Labcorp Genetics (formerly Invitae), Labcorp
Classification: Uncertain significance. Last evaluated: 2022-06-14. Review status: criteria provided, single submitter. Criteria: Invitae Variant Classification Sherloc (09022015). Collection method: clinical testing. Allele origin: germline.
Comment: This sequence change replaces arginine, which is basic and polar, with histidine, which is basic and polar, at codon 147 of the MYO7A protein (p.Arg147His). The frequency data for this variant in the population databases is considered unreliable, as metrics indicate poor data quality at this position in the gnomAD database. This variant has not been reported in the literature in individuals affected with MYO7A-related conditions. ClinVar contains an entry for this variant (Variation ID: 43238). Advanced modeling of protein sequence and biophysical properties (such as structural, functional, and spatial information, amino acid conservation, physicochemical variation, residue mobility, and thermodynamic stability) performed at Invitae indicates that this missense variant is not expected to disrupt MYO7A protein function. In summary, the available evidence is currently insufficient to determine the role of this variant in disease. Therefore, it has been classified as a Variant of Uncertain Significance.

Laboratory for Molecular Medicine, Mass General Brigham Personalized Medicine
Classification: Uncertain significance. Last evaluated: 2011-03-09. Review status: criteria provided, single submitter. Criteria: LMM Criteria. Collection method: clinical testing. Allele origin: germline. Observed: 2 variant alleles.
Comment: The Arg147His variant in MYO7A has not been reported in the literature nor previ ously identified in any other families by our laboratory. Computational analyses (PolyPhen2, SIFT) of this amino acid change suggest that it may impact the prot ein based upon high amino acid conservation at Arg147 across many species. Howev er, this information is not predictive enough to assume pathogenicity. In summar y, the clinical significance of the Arg147His variant cannot be determined at th is time.

Natera, Inc.
Classification: Uncertain significance for Usher syndrome type 1B. Last evaluated: 2020-12-02. Review status: no assertion criteria provided. Collection method: clinical testing. Allele origin: germline. Not counted in ClinVar's aggregate classification.

NM_000260.4(MYO7A):c.440G>A (p.Arg147His)

Gene: MYO7A (myosin VIIA; plus strand). Cytogenetic location: 11q13.5.
Variant type: single nucleotide variant.
Coding change: c.440G>A on transcript NM_000260.4 (MANE Select); coding-DNA position 440, G replaced by A.
Protein change: p.Arg147His; replaces arginine 147 with histidine.
Molecular consequence: missense variant.
Genome position (GRCh38, 1-based): chr11:77,156,061, G>A. VCF-style: chr11-77156061-G-A. GRCh37 (hg19) VCF-style: chr11-76867107-G-A.
Other names: c.440G>A, p.Arg147His (NM_001127180.2); c.407G>A, p.Arg136His (NM_001369365.1); short protein forms R147H, R136H.
Identifiers: ClinVar variation 43238 (VCV000043238.9), dbSNP rs111033512, ClinGen allele CA132322.